The following is an entry in ClinVar:

ClinVar aggregate classification (germline): Pathogenic (1 of 4 stars; one submission).

Conditions:
Diffuse cerebral and cerebellar atrophy - intractable seizures - progressive microcephaly syndrome. Also called: Microcephaly, progressive, with seizures and cerebral and cerebellar atrophy. Identifiers: Orphanet 404437, MedGen C4014239, MONDO:0014335, OMIM 615760.

Submission:

Labcorp Genetics (formerly Invitae), Labcorp
Classification: Pathogenic for Diffuse cerebral and cerebellar atrophy - intractable seizures - progressive microcephaly syndrome. Last evaluated: 2024-04-15. Review status: criteria provided, single submitter. Criteria: Invitae Variant Classification Sherloc (09022015). Collection method: clinical testing. Allele origin: germline.
Comment: This sequence change creates a premature translational stop signal (p.Gln263Argfs*60) in the QARS gene. It is expected to result in an absent or disrupted protein product. Loss-of-function variants in QARS are known to be pathogenic (PMID: 24656866, 25471517). This variant is present in population databases (rs746028168, gnomAD 0.0009%). This variant has not been reported in the literature in individuals affected with QARS-related conditions. For these reasons, this variant has been classified as Pathogenic.

Literature cited by the submitters: PubMed 24656866; PubMed 25471517.

NM_005051.3(QARS1):c.786del (p.Gln263fs)

Gene: QARS1 (glutaminyl-tRNA synthetase 1; minus strand). Cytogenetic location: 3p21.31.
Variant type: Deletion.
Coding change: c.786del on transcript NM_005051.3 (MANE Select); coding-DNA position 786, one base deleted (G; older notation c.786delG).
Protein change: p.Gln263fs; shifts the reading frame from glutamine 263.
Molecular consequence: frameshift variant. On other transcripts: non-coding transcript variant (1).
Genome position (GRCh38, 1-based): chr3:49,101,623, C deleted on the plus strand (G on the coding strand, the reverse complement: QARS1 is on the minus strand); the first of 3 consecutive C bases (chr3:49,101,623-49,101,625); deleting any one gives the same sequence. VCF-style (leftmost placement, unchanged base first): chr3-49101622-GC-G. GRCh37 (hg19) VCF-style: chr3-49139055-GC-G.
Other names: c.753del, p.Gln252fs (NM_001272073.2); short protein forms Q263fs, Q252fs.
Identifiers: ClinVar variation 3010950 (VCV003010950.3), dbSNP rs746028168, ClinGen allele CA2392025.